The following is an entry in ClinVar:

NM_016239.4(MYO15A):c.1736C>T (p.Thr579Met)

Gene: MYO15A (myosin XVA; plus strand). Cytogenetic location: 17p11.2.
Variant type: single nucleotide variant.
Coding change: c.1736C>T on transcript NM_016239.4 (MANE Select); coding-DNA position 1736, C replaced by T.
Protein change: p.Thr579Met; replaces threonine 579 with methionine.
Molecular consequence: missense variant.
Genome position (GRCh38, 1-based): chr17:18,120,536, C>T. VCF-style: chr17-18120536-C-T. GRCh37 (hg19) VCF-style: chr17-18023850-C-T.
Other names: short protein forms T579M.
Identifiers: ClinVar variation 3604948 (VCV003604948.1).

ClinVar aggregate classification (germline): Uncertain significance (1 of 4 stars; one submission).

gnomAD v4.1: 11 of 1,594,102 alleles (0.00069%); highest among the groups gnomAD compares: African/African-American, 0.012%; no homozygotes.

Submission:

Labcorp Genetics (formerly Invitae), Labcorp
Classification: Uncertain significance. Last evaluated: 2024-05-09. Review status: criteria provided, single submitter. Criteria: Invitae Variant Classification Sherloc (09022015). Collection method: clinical testing. Allele origin: germline.
Comment: This sequence change replaces threonine, which is neutral and polar, with methionine, which is neutral and non-polar, at codon 579 of the MYO15A protein (p.Thr579Met). The frequency data for this variant in the population databases is considered unreliable, as metrics indicate poor data quality at this position in the gnomAD database. This variant has not been reported in the literature in individuals affected with MYO15A-related conditions. Advanced modeling of protein sequence and biophysical properties (such as structural, functional, and spatial information, amino acid conservation, physicochemical variation, residue mobility, and thermodynamic stability) performed at Invitae indicates that this missense variant is not expected to disrupt MYO15A protein function with a negative predictive value of 95%. In summary, the available evidence is currently insufficient to determine the role of this variant in disease. Therefore, it has been classified as a Variant of Uncertain Significance.